The following is an entry in ClinVar:

NM_000218.3(KCNQ1):c.501C>T (p.Phe167=)

Gene: KCNQ1 (potassium voltage-gated channel subfamily Q member 1; plus strand). Cytogenetic location: 11p15.5.
Variant type: single nucleotide variant.
Coding change: c.501C>T on transcript NM_000218.3 (MANE Select); coding-DNA position 501, C replaced by T.
Protein change: p.Phe167=; no amino-acid change (phenylalanine 167 retained).
Molecular consequence: synonymous variant. On other transcripts: intron variant (1).
Genome position (GRCh38, 1-based): chr11:2,570,651, C>T. VCF-style: chr11-2570651-C-T. GRCh37 (hg19) VCF-style: chr11-2591881-C-T.
Other names: c.501C>T, p.Phe167= (NM_001406836.1); c.231C>T, p.Phe77= (NM_001406837.1); c.120C>T, p.Phe40= (NM_181798.2); c.478-12784C>T (NM_001406838.1).
Identifiers: ClinVar variation 701153 (VCV000701153.27), dbSNP rs774085613, ClinGen allele CA038037.

ClinVar aggregate classification (germline): Likely benign. Review status: criteria provided, multiple submitters, no conflicts (2 of 4 stars). 6 submissions from 6 submitters: Likely benign (6). Last evaluated 2026-01-14.

Conditions:
KCNQ1-related disorder. Also called: KCNQ1-related disorders; KCNQ1-related condition. Identifiers: MedGen CN239322.
Cardiovascular phenotype. Identifiers: MedGen CN230736.
Long QT syndrome (LQTS). Identifiers: MedGen C0023976, MeSH D008133, MONDO:0002442. Disease mechanism: loss of function. Inheritance: Various modes of inheritance.
Cardiac arrhythmia. Also called: Cardiac rhythm disease; Arrhythmia. Identifiers: MedGen C0003811, MONDO:0007263, HP:0011675.

Allele frequency attached by ClinVar (database versions not stated): ExAC 0.00003; gnomAD 0.00003; TOPMed 0.00003; gnomAD exomes 0.00004 and 0.00005.
gnomAD v4.1: 67 of 1,612,562 alleles (0.0042%); highest among the groups gnomAD compares: East Asian, 0.091%; no homozygotes.

Submissions (6):

Labcorp Genetics (formerly Invitae), Labcorp
Classification: Likely benign for Long QT syndrome. Last evaluated: 2026-01-14. Review status: criteria provided, single submitter. Criteria: Invitae Variant Classification Sherloc (09022015). Collection method: clinical testing. Allele origin: germline.

PreventionGenetics, part of Exact Sciences
Classification: Likely benign for KCNQ1-related condition. Last evaluated: 2025-08-05. Review status: criteria provided, single submitter. Criteria: ACMG Guidelines, 2015. Collection method: clinical testing. Allele origin: germline.
Comment: This variant is classified as likely benign based on ACMG/AMP sequence variant interpretation guidelines (Richards et al. 2015 PMID: 25741868, with internal and published modifications).

All of Us Research Program, National Institutes of Health
Classification: Likely benign for Long QT syndrome. Last evaluated: 2024-05-30. Review status: criteria provided, single submitter. Criteria: ACMG Guidelines, 2015. Collection method: clinical testing. Allele origin: germline. Inheritance: Autosomal dominant inheritance. Observed: 5 variant alleles, 5 heterozygotes.
Comment: This study involves interpretation of variants in research participants for the purpose of population health screening. Participant phenotype was not available at the time of variant classification. Additional details can be found in publication PMID: 35346344, PMCID: PMC8962531

Ambry Genetics
Classification: Likely benign for Cardiovascular phenotype. Last evaluated: 2023-03-18. Review status: criteria provided, single submitter. Criteria: Ambry Variant Classification Scheme 2023. Collection method: clinical testing. Allele origin: germline.

ARUP Laboratories, Molecular Genetics and Genomics, ARUP Laboratories
Classification: Likely benign. Last evaluated: 2020-07-24. Review status: criteria provided, single submitter. Criteria: ARUP Molecular Germline Variant Investigation Process. Collection method: clinical testing. Allele origin: germline.

Color Diagnostics, LLC DBA Color Health
Classification: Likely benign for Arrhythmia. Last evaluated: 2018-10-30. Review status: criteria provided, single submitter. Criteria: ACMG Guidelines, 2015. Collection method: clinical testing. Allele origin: germline.